The following is an entry in ClinVar:

NM_001369.3(DNAH5):c.12633del (p.Glu4211fs)

Gene: DNAH5 (dynein axonemal heavy chain 5; minus strand). Cytogenetic location: 5p15.2.
Variant type: Deletion.
Coding change: c.12633del on transcript NM_001369.3 (MANE Select); coding-DNA position 12633, one base deleted (A; older notation c.12633delA).
Protein change: p.Glu4211fs; shifts the reading frame from glutamic acid 4211.
Molecular consequence: frameshift variant.
Genome position (GRCh38, 1-based): chr5:13,717,387, T deleted on the plus strand (A on the coding strand, the reverse complement: DNAH5 is on the minus strand); the first of 2 consecutive T bases (chr5:13,717,387-13,717,388); deleting either gives the same sequence. VCF-style (leftmost placement, unchanged base first): chr5-13717386-AT-A. GRCh37 (hg19) VCF-style: chr5-13717495-AT-A.
Other names: short protein forms E4211fs.
Identifiers: ClinVar variation 4814858 (VCV004814858.1).

ClinVar aggregate classification (germline): Likely pathogenic (1 of 4 stars; one submission).

Conditions:
Primary ciliary dyskinesia. Also called: Ciliary dyskinesia. Identifiers: Orphanet 244, MedGen C0008780, MONDO:0016575, HP:0012265.

Submission:

Natera, Inc.
Classification: Likely pathogenic for Primary ciliary dyskinesia. Last evaluated: 2024-02-29. Review status: criteria provided, single submitter. Criteria: Natera Variant Classification Schema (03/2026). Collection method: clinical testing. Allele origin: germline.
Comment: The c.12633delA variant in DNAH5 is a frameshift variant predicted to shift the reading frame beginning at codon 4211 and leads to a stop codon 35 codons downstream. This variant is expected to result in nonsense mediated decay, truncation, or a dysfunctional protein product. This variant is rare in the general population with a frequency below the threshold expected for the associated phenotype(s). Given the available evidence, this variant is classified as Likely Pathogenic.